The following is an entry in ClinVar:

ClinVar aggregate classification (germline): Uncertain significance (1 of 4 stars; one submission).

Submission:

Labcorp Genetics (formerly Invitae), Labcorp
Classification: Uncertain significance. Last evaluated: 2023-10-13. Review status: criteria provided, single submitter. Criteria: Invitae Variant Classification Sherloc (09022015). Collection method: clinical testing. Allele origin: germline.
Comment: This sequence change creates a premature translational stop signal (p.Glu787*) in the SH3PXD2B gene. While this is not anticipated to result in nonsense mediated decay, it is expected to disrupt the last 125 amino acid(s) of the SH3PXD2B protein. This variant is not present in population databases (gnomAD no frequency). This variant has not been reported in the literature in individuals affected with SH3PXD2B-related conditions. ClinVar contains an entry for this variant (Variation ID: 1497946). Experimental studies and prediction algorithms are not available or were not evaluated, and the functional significance of this variant is currently unknown. In summary, the available evidence is currently insufficient to determine the role of this variant in disease. Therefore, it has been classified as a Variant of Uncertain Significance.

NM_001017995.3(SH3PXD2B):c.2359G>T (p.Glu787Ter)

Gene: SH3PXD2B (SH3 and PX domains 2B; minus strand). Cytogenetic location: 5q35.1.
Variant type: single nucleotide variant.
Coding change: c.2359G>T on transcript NM_001017995.3 (MANE Select); coding-DNA position 2359, G replaced by T.
Protein change: p.Glu787Ter; replaces glutamic acid 787 with a stop codon.
Molecular consequence: nonsense. On other transcripts: intron variant (1).
Genome position (GRCh38, 1-based): chr5:172,338,746, C>A on the plus strand (G>T on the coding strand, the complement: SH3PXD2B is on the minus strand). VCF-style: chr5-172338746-C-A. GRCh37 (hg19) VCF-style: chr5-171765750-C-A.
Other names: c.1188+7390G>T (NM_001308175.2); short protein forms E787*.
Identifiers: ClinVar variation 1497946 (VCV001497946.6), dbSNP rs142818364, ClinGen allele CA362145599.
Genomic context (GRCh38, chr5:172,338,746, plus strand): 5'-AAGGTTTGGCTTTTGGAGGGACGAGGAGAGCACGGCCTGGGGTGGGAGCTGCCCTGCTTT[C>A]GTGGCCTTCACACTGTGGACCTCTGACCTCTGGGAGCGGCCTGGATGACGAAGAGGTTTT-3'